The following is an entry in ClinVar:

ClinVar aggregate classification (germline): Pathogenic (1 of 4 stars; one submission).

Submission:

Labcorp Genetics (formerly Invitae), Labcorp
Classification: Pathogenic. Last evaluated: 2021-01-16. Review status: criteria provided, single submitter. Criteria: Invitae Variant Classification Sherloc (09022015). Collection method: clinical testing. Allele origin: germline.
Comment: This sequence change creates a premature translational stop signal (p.Glu27*) in the COL7A1 gene. It is expected to result in an absent or disrupted protein product. Loss-of-function variants in COL7A1 are known to be pathogenic (PMID: 16971478). This variant is not present in population databases (ExAC no frequency). This variant has not been reported in the literature in individuals with COL7A1-related conditions. Algorithms developed to predict the effect of sequence changes on RNA splicing suggest that this variant may create or strengthen a splice site, but this prediction has not been confirmed by published transcriptional studies. For these reasons, this variant has been classified as Pathogenic.

Literature cited by the submitters: PubMed 16971478.

NM_000094.4(COL7A1):c.79G>T (p.Glu27Ter)

Gene: COL7A1 (collagen type VII alpha 1 chain; minus strand). Cytogenetic location: 3p21.31.
Variant type: single nucleotide variant.
Coding change: c.79G>T on transcript NM_000094.4 (MANE Select); coding-DNA position 79, G replaced by T.
Protein change: p.Glu27Ter; replaces glutamic acid 27 with a stop codon.
Molecular consequence: nonsense.
Genome position (GRCh38, 1-based): chr3:48,595,081, C>A on the plus strand (G>T on the coding strand, the complement: COL7A1 is on the minus strand). VCF-style: chr3-48595081-C-A. GRCh37 (hg19) VCF-style: chr3-48632514-C-A.
Other names: short protein forms E27*.
Identifiers: ClinVar variation 1457536 (VCV001457536.6), dbSNP rs2107811815, ClinGen allele CA352750194.
Genomic context (GRCh38, chr3:48,595,081, plus strand): 5'-CGGAGGGTGGCACGGTGCAGTGCCCCGGGCCGGGTCCTCCCTTGCGGTGCCCACCTCTCT[C>A]CCTGTGCTGGGCTCGCACTCGGGGCGCCTCTGCCAGGATCCCGGCGCAGAGCGCGGCCAC-3'